The following is an entry in ClinVar:

NM_005876.5(SPEG):c.1666C>G (p.Pro556Ala)

Gene: SPEG (striated muscle enriched protein kinase; plus strand). Cytogenetic location: 2q35.
Variant type: single nucleotide variant.
Coding change: c.1666C>G on transcript NM_005876.5 (MANE Select); coding-DNA position 1666, C replaced by G.
Protein change: p.Pro556Ala; replaces proline 556 with alanine.
Molecular consequence: missense variant.
Genome position (GRCh38, 1-based): chr2:219,448,824, C>G. VCF-style: chr2-219448824-C-G. GRCh37 (hg19) VCF-style: chr2-220313546-C-G.
Other names: short protein forms P556A.
Identifiers: ClinVar variation 2091734 (VCV002091734.4), dbSNP rs2545470405, ClinGen allele CA350722781.

ClinVar aggregate classification (germline): Uncertain significance (1 of 4 stars; one submission).

Submission:

Labcorp Genetics (formerly Invitae), Labcorp
Classification: Uncertain significance. Last evaluated: 2022-02-02. Review status: criteria provided, single submitter. Criteria: Invitae Variant Classification Sherloc (09022015). Collection method: clinical testing. Allele origin: germline.
Comment: In summary, the available evidence is currently insufficient to determine the role of this variant in disease. Therefore, it has been classified as a Variant of Uncertain Significance. Algorithms developed to predict the effect of missense changes on protein structure and function output the following: SIFT: "Tolerated"; PolyPhen-2: "Benign"; Align-GVGD: "Class C0". The alanine amino acid residue is found in multiple mammalian species, which suggests that this missense change does not adversely affect protein function. This variant has not been reported in the literature in individuals affected with SPEG-related conditions. This variant is not present in population databases (gnomAD no frequency). This sequence change replaces proline, which is neutral and non-polar, with alanine, which is neutral and non-polar, at codon 556 of the SPEG protein (p.Pro556Ala).